The following is an entry in ClinVar:

ClinVar aggregate classification (germline): Uncertain significance (1 of 4 stars; one submission).

Conditions:
Nemaline myopathy 2 (NEM2). Also called: Nemaline myopathy 2, autosomal recessive. Identifiers: MedGen C1850569, MONDO:0009725, OMIM 256030.

Submission:

Labcorp Genetics (formerly Invitae), Labcorp
Classification: Uncertain significance for Nemaline myopathy 2. Last evaluated: 2018-10-09. Review status: criteria provided, single submitter. Criteria: Invitae Variant Classification Sherloc (09022015). Collection method: clinical testing. Allele origin: germline.
Comment: This variant has not been reported in the literature in individuals with an NEB-related disease. ClinVar contains an entry for this variant (Variation ID: 465582). In summary, this variant is a novel missense change with uncertain impact on protein function. It has been classified as a Variant of Uncertain Significance. Algorithms developed to predict the effect of missense changes on protein structure and function do not agree on the potential impact of this missense change (SIFT: "Deleterious"; PolyPhen-2: ":Probably Damaging"; Align-GVGD: "Class C0"). This variant is not present in population databases (ExAC no frequency). This sequence change replaces glycine with arginine at codon 8205 of the NEB protein (p.Gly8205Arg). The glycine residue is moderately conserved and there is a moderate physicochemical difference between glycine and arginine.

NM_001164508.2(NEB):c.24508G>A (p.Gly8170Arg)

Genes: NEB (nebulin; minus strand), RIF1 (replication timing regulatory factor 1; plus strand). Cytogenetic location: 2q23.3.
Variant type: single nucleotide variant.
Coding change: c.24508G>A on transcript NM_001164508.2 (MANE Select); coding-DNA position 24508, G replaced by A.
Protein change: p.Gly8170Arg; replaces glycine 8170 with arginine.
Molecular consequence: missense variant.
Genome position (GRCh38, 1-based): chr2:151,494,232, C>T on the plus strand (G>A on the coding strand, the complement: NEB is on the minus strand). VCF-style: chr2-151494232-C-T. GRCh37 (hg19) VCF-style: chr2-152350746-C-T.
Other names: c.24508G>A, p.Gly8170Arg (NM_001164507.2); c.24613G>A, p.Gly8205Arg (NM_001271208.2); c.18940G>A, p.Gly6314Arg (NM_004543.5); short protein forms G8205R, G6314R, G8170R.
Identifiers: ClinVar variation 465582 (VCV000465582.9), dbSNP rs1553537770, ClinGen allele CA348776970.